The following is an entry in ClinVar:

ClinVar aggregate classification (germline): Benign (1 of 4 stars; one submission).

Conditions:
Juvenile polyposis syndrome (JPS). Identifiers: Orphanet 2929, MedGen C0345893, MONDO:0017380, OMIM 174900.

gnomAD v4.1: 1 of 1,612,986 alleles (0.000062%); highest among the groups gnomAD compares: Non-Finnish European, 0.000085%; no homozygotes.

Submission:

Myriad Genetics, Inc.
Classification: Benign for Juvenile polyposis syndrome. Last evaluated: 2024-09-25. Review status: criteria provided, single submitter. Criteria: Myriad Autosomal Dominant, Autosomal Recessive and X-Linked Classification Criteria (2023). Collection method: clinical testing. Allele origin: unknown.
Comment: This variant is considered benign. This variant occurs in the non-coding 3' untranslated region of the gene, and is not expected to impact protein function.

NM_004329.3(BMPR1A):c.*6A>G

Gene: BMPR1A (bone morphogenetic protein receptor type 1A; plus strand). Cytogenetic location: 10q23.2.
Variant type: single nucleotide variant.
Coding change: c.*6A>G on transcript NM_004329.3 (MANE Select); 6 bases downstream of the stop codon, A replaced by G.
Molecular consequence: 3 prime UTR variant. On other transcripts: non-coding transcript variant (3).
Genome position (GRCh38, 1-based): chr10:86,923,725, A>G. VCF-style: chr10-86923725-A-G. GRCh37 (hg19) VCF-style: chr10-88683482-A-G.
Other names: c.*6A>G (NM_001406559.1, NM_001406560.1, NM_001406561.1 and 28 more transcripts).
Identifiers: ClinVar variation 3378417 (VCV003378417.1).